The following is an entry in ClinVar:

NM_000049.4(ASPA):c.931T>C (p.Cys311Arg)

Genes: ASPA (aspartoacylase; plus strand), SPATA22 (spermatogenesis associated 22; minus strand). Cytogenetic location: 17p13.2.
Variant type: single nucleotide variant.
Coding change: c.931T>C on transcript NM_000049.4 (MANE Select); coding-DNA position 931, T replaced by C.
Protein change: p.Cys311Arg; replaces cysteine 311 with arginine.
Molecular consequence: missense variant. On other transcripts: intron variant (2).
Genome position (GRCh38, 1-based): chr17:3,499,077, T>C. VCF-style: chr17-3499077-T-C. GRCh37 (hg19) VCF-style: chr17-3402371-T-C.
Other names: c.931T>C, p.Cys311Arg (NM_001128085.1); c.-74+14335A>G (NM_001321336.2, NM_001321337.2); short protein forms C311R.
Identifiers: ClinVar variation 1389126 (VCV001389126.6), dbSNP rs959111875, ClinGen allele CA287021119.

ClinVar aggregate classification (germline): Uncertain significance. Review status: criteria provided, multiple submitters, no conflicts (2 of 4 stars). 2 submissions from 2 submitters: Uncertain significance (2). Last evaluated 2024-10-28.

Conditions:
Spongy degeneration of central nervous system. Also called: ACY2 DEFICIENCY; AMINOACYLASE 2 DEFICIENCY; ASP DEFICIENCY; ASPA DEFICIENCY; ASPARTOACYLASE DEFICIENCY; CANAVAN-VAN BOGAERT-BERTRAND DISEASE. Identifiers: Orphanet 141, MedGen C0206307, MONDO:0010079, OMIM 271900.

Allele frequency attached by ClinVar (database versions not stated): TOPMed below 0.00001; gnomAD exomes 0.00001 and 0.00011; gnomAD 0.00001.
gnomAD v4.1: 163 of 1,613,856 alleles (0.01%); highest among the groups gnomAD compares: Non-Finnish European, 0.014%; no homozygotes.

Submissions (2):

Labcorp Genetics (formerly Invitae), Labcorp
Classification: Uncertain significance for Spongy degeneration of central nervous system. Last evaluated: 2024-10-28. Review status: criteria provided, single submitter. Criteria: Invitae Variant Classification Sherloc (09022015). Collection method: clinical testing. Allele origin: germline.
Comment: This sequence change replaces cysteine, which is neutral and slightly polar, with arginine, which is basic and polar, at codon 311 of the ASPA protein (p.Cys311Arg). This variant is present in population databases (no rsID available, gnomAD 0.002%). This variant has not been reported in the literature in individuals affected with ASPA-related conditions. ClinVar contains an entry for this variant (Variation ID: 1389126). Invitae Evidence Modeling of protein sequence and biophysical properties (such as structural, functional, and spatial information, amino acid conservation, physicochemical variation, residue mobility, and thermodynamic stability) indicates that this missense variant is not expected to disrupt ASPA protein function with a negative predictive value of 95%. In summary, the available evidence is currently insufficient to determine the role of this variant in disease. Therefore, it has been classified as a Variant of Uncertain Significance.

Breakthrough Genomics
Classification: Uncertain significance. Review status: criteria provided, single submitter. Criteria: ACMG Guidelines, 2015. Collection method: not provided. Allele origin: germline. Inheritance: Autosomal recessive inheritance. Affected: yes.